The following is an entry in ClinVar:

NM_000051.4(ATM):c.4345T>G (p.Leu1449Val)

Gene: ATM (ATM serine/threonine kinase; plus strand). Cytogenetic location: 11q22.3.
Variant type: single nucleotide variant.
Coding change: c.4345T>G on transcript NM_000051.4 (MANE Select); coding-DNA position 4345, T replaced by G.
Protein change: p.Leu1449Val; replaces leucine 1449 with valine.
Molecular consequence: missense variant.
Genome position (GRCh38, 1-based): chr11:108,289,710, T>G. VCF-style: chr11-108289710-T-G. GRCh37 (hg19) VCF-style: chr11-108160437-T-G.
Other names: c.4345T>G, p.Leu1449Val (NM_001351834.2); short protein forms L1449V.
Identifiers: ClinVar variation 1396772 (VCV001396772.6), dbSNP rs786201555, ClinGen allele CA382531978.

ClinVar aggregate classification (germline): Uncertain significance (1 of 4 stars; one submission).

Conditions:
Ataxia-telangiectasia syndrome (AT). Also called: Ataxia-telangiectasia, complementation group D; Ataxia telangiectasia (A-T); Cerebello-oculocutaneous telangiectasia; Immunodeficiency with ataxia telangiectasia; ATAXIA-TELANGIECTASIA, COMPLEMENTATION GROUP A; ATAXIA-TELANGIECTASIA, FRESNO VARIANT. Identifiers: Orphanet 100, MedGen C0004135, MONDO:0008840, OMIM 208900.

Submission:

Labcorp Genetics (formerly Invitae), Labcorp
Classification: Uncertain significance for Ataxia-telangiectasia syndrome. Last evaluated: 2021-12-11. Review status: criteria provided, single submitter. Criteria: Invitae Variant Classification Sherloc (09022015). Collection method: clinical testing. Allele origin: germline.
Comment: Algorithms developed to predict the effect of sequence changes on RNA splicing suggest that this variant may create or strengthen a splice site. Advanced modeling of protein sequence and biophysical properties (such as structural, functional, and spatial information, amino acid conservation, physicochemical variation, residue mobility, and thermodynamic stability) performed at Invitae indicates that this missense variant is not expected to disrupt ATM protein function. This variant has not been reported in the literature in individuals affected with ATM-related conditions. This variant is not present in population databases (gnomAD no frequency). This sequence change replaces leucine, which is neutral and non-polar, with valine, which is neutral and non-polar, at codon 1449 of the ATM protein (p.Leu1449Val). In summary, the available evidence is currently insufficient to determine the role of this variant in disease. Therefore, it has been classified as a Variant of Uncertain Significance.